The following is an entry in ClinVar:

NM_000552.5(VWF):c.1450_1451delinsAG (p.His484Ser)

Gene: VWF (von Willebrand factor; minus strand). Cytogenetic location: 12p13.31.
Variant type: Indel.
Coding change: c.1450_1451delinsAG on transcript NM_000552.5 (MANE Select); coding-DNA positions 1450 to 1451, CA replaced by AG.
Protein change: p.His484Ser; replaces histidine 484 with serine.
Molecular consequence: missense variant.
Genome position (GRCh38, 1-based): chr12:6,063,036-6,063,037, TG replaced by CT on the plus strand (CA replaced by AG on the coding strand, the reverse complement: VWF is on the minus strand). VCF-style: chr12-6063036-TG-CT. GRCh37 (hg19) VCF-style: chr12-6172202-TG-CT.
Other names: short protein forms H484S.
Identifiers: ClinVar variation 1304140 (VCV001304140.2), dbSNP rs2136460757, ClinGen allele CA2573053745.

ClinVar aggregate classification (germline): Uncertain significance (1 of 4 stars; one submission).

Submission:

GeneDx
Classification: Uncertain significance. Last evaluated: 2020-07-08. Review status: criteria provided, single submitter. Criteria: GeneDx Variant Classification Process June 2021. Collection method: clinical testing. Allele origin: germline. Affected: yes.
Comment: In silico analysis supports that this variant does not alter protein structure/function; This variant is associated with the following publications: (PMID: 28536718)